The following is an entry in ClinVar:

NM_000218.3(KCNQ1):c.1906dup (p.Ala636fs)

Genes: KCNQ1 (potassium voltage-gated channel subfamily Q member 1; plus strand), KCNQ1-AS1 (KCNQ1 antisense RNA 1; minus strand). Cytogenetic location: 11p15.4.
Variant type: Duplication.
Coding change: c.1906dup on transcript NM_000218.3 (MANE Select); coding-DNA position 1906, one base duplicated (G; older notation c.1906dupG).
Protein change: p.Ala636fs; shifts the reading frame from alanine 636.
Molecular consequence: frameshift variant.
Genome position (GRCh38, 1-based): chr11:2,847,878, G duplicated; the last of 4 consecutive G bases (chr11:2,847,875-2,847,878); duplicating any one gives the same sequence. VCF-style (leftmost placement, unchanged base first): chr11-2847874-C-CG. GRCh37 (hg19) VCF-style: chr11-2869104-C-CG.
Other names: c.1906dupG (NM_000218.2); c.1810dup, p.Ala604Glyfs (NM_001406836.1); c.1636dup, p.Ala546Glyfs (NM_001406837.1); c.1366dup, p.Ala456Glyfs (NM_001406838.1); c.418dup, p.Ala140Glyfs (NM_001406839.1); c.1525dup, p.Ala509Glyfs (NM_181798.2); short protein forms A509fs, A636fs.
Identifiers: ClinVar variation 456865 (VCV000456865.16), dbSNP rs1464992494, ClinGen allele CA658656103.

ClinVar aggregate classification (germline): Conflicting classifications of pathogenicity. Review status: criteria provided, conflicting classifications (1 of 4 stars). 5 submissions from 5 submitters: Likely pathogenic (2); Uncertain significance (3). Last evaluated 2026-06-15.

Conditions:
KCNQ1-related disorder. Also called: KCNQ1-related condition; KCNQ1-related disorders. Identifiers: MedGen CN239322.
Cardiac arrhythmia. Also called: Cardiac rhythm disease; Arrhythmia. Identifiers: MedGen C0003811, MONDO:0007263, HP:0011675.
Long QT syndrome 1 (LQT1). Identifiers: Orphanet 101016, Orphanet 768, MedGen C4551647, MONDO:0100316, OMIM 192500, MONDO:0008646.
Short QT syndrome type 2. Identifiers: Orphanet 51083, MedGen C1865019, MONDO:0012313, OMIM 609621.
Jervell and Lange-Nielsen syndrome 1 (JLNS1). Also called: PROLONGED QT INTERVAL IN EKG AND SUDDEN DEATH; SURDO-CARDIAC SYNDROME; CARDIOAUDITORY SYNDROME OF JERVELL AND LANGE-NIELSEN; DEAFNESS, CONGENITAL, AND FUNCTIONAL HEART DISEASE. Identifiers: Orphanet 768, Orphanet 90647, MedGen C4551509, MONDO:0024540, OMIM 220400.
Beckwith-Wiedemann syndrome (BWS). Also called: EMG SYNDROME; Exomphalos macroglossia gigantism syndrome. Identifiers: Orphanet 116, MedGen C0004903, MONDO:0007534, OMIM 130650.
Atrial fibrillation, familial, 3 (ATFB3). Identifiers: MedGen C1837014, MONDO:0011857, OMIM 607554.
Long QT syndrome (LQTS). Identifiers: MedGen C0023976, MeSH D008133, MONDO:0002442. Disease mechanism: loss of function. Inheritance: Various modes of inheritance.

Submissions (5):

Rare Disease Center, Seoul National University Hospital
Classification: Likely pathogenic for Long QT syndrome 1. Last evaluated: 2026-06-15. Review status: criteria provided, single submitter. Criteria: ACMG Guidelines, 2015. Collection method: research. Allele origin: maternal. Inheritance: Autosomal dominant inheritance.
Comment: This variant is classified as Likely Pathogenic based on the ACMG/AMP criteria (PVS1, PM2).

Color Diagnostics, LLC DBA Color Health
Classification: Uncertain significance for Cardiac arrhythmia. Last evaluated: 2023-08-21. Review status: criteria provided, single submitter. Criteria: ACMG Guidelines, 2015. Collection method: clinical testing. Allele origin: germline.
Comment: This variant causes duplication of 1 nucleotide in exon 16 of the KCNQ1 gene, creating a frameshift in the last exon. The mutant transcript is expected to escape nonsense-mediated decay and be expressed as a protein product containing altered C-terminal sequence. To our knowledge, this variant has not been reported in individuals affected with KCNQ1-related disorders in the literature. This variant has not been identified in the general population by the Genome Aggregation Database (gnomAD). Another frameshift variant at the same codon, referred to as A636fs/28, has been reported in 2 individuals affected with long QT syndrome enrolled in the International Long QT Registry (PMID: 17470695, 26318259). The available evidence is insufficient to determine the role of this variant in disease conclusively. Therefore, this variant is classified as a Variant of Uncertain Significance.

Labcorp Genetics (formerly Invitae), Labcorp
Classification: Uncertain significance for Long QT syndrome. Last evaluated: 2023-05-24. Review status: criteria provided, single submitter. Criteria: Invitae Variant Classification Sherloc (09022015). Collection method: clinical testing. Allele origin: germline.
Comment: This sequence change creates a premature translational stop signal (p.Ala636Glyfs*16) in the KCNQ1 gene. While this is not anticipated to result in nonsense mediated decay, it is expected to disrupt the last 41 amino acid(s) of the KCNQ1 protein. This variant is not present in population databases (gnomAD no frequency). In summary, the available evidence is currently insufficient to determine the role of this variant in disease. Therefore, it has been classified as a Variant of Uncertain Significance. Experimental studies and prediction algorithms are not available or were not evaluated, and the functional significance of this variant is currently unknown. ClinVar contains an entry for this variant (Variation ID: 456865). This variant has not been reported in the literature in individuals affected with KCNQ1-related conditions.

Blueprint Genetics
Classification: Likely pathogenic for KCNQ1-related disorders. Last evaluated: 2022-11-24. Review status: criteria provided, single submitter. Criteria: ACMG Guidelines, 2015. Collection method: clinical testing. Allele origin: germline. Affected: yes. Observed: 2 variant alleles.

Fulgent Genetics
Classification: Uncertain significance for Beckwith-Wiedemann syndrome; Long QT syndrome 1; Jervell and Lange-Nielsen syndrome 1; Atrial fibrillation, familial, 3; Short QT syndrome type 2. Last evaluated: 2021-09-03. Review status: criteria provided, single submitter. Criteria: ACMG Guidelines, 2015. Collection method: clinical testing. Allele origin: unknown.

Literature cited by the submitters: PubMed 17470695 (cited by Color Diagnostics, LLC DBA Color Health); PubMed 26318259 (cited by Color Diagnostics, LLC DBA Color Health).